The following is an entry in ClinVar:

ClinVar aggregate classification (germline): Benign. Review status: criteria provided, multiple submitters, no conflicts (2 of 4 stars). 2 submissions from 2 submitters: Benign (2). Last evaluated 2026-01-22.

Submissions (2):

Women's Health and Genetics/Laboratory Corporation of America, LabCorp
Classification: Benign. Last evaluated: 2026-01-22. Review status: criteria provided, single submitter. Criteria: LabCorp Variant Classification Summary - May 2015. Collection method: clinical testing. Allele origin: germline.
Comment: Variant summary: LCP2 c.726C>T results in a synonymous change. Consensus agreement among computation tools predict no significant impact on normal splicing. However, these predictions have yet to be confirmed by functional studies. The variant allele was found at a frequency of 0.048 in 249272 control chromosomes, predominantly at a frequency of 0.08 within the South Asian subpopulation in the gnomAD database, including 115 homozygotes. The observed variant frequency within South Asian control individuals in the gnomAD database exceeds the estimated maximal expected allele frequency for disease-causing variants in LCP2. To our knowledge, no occurrence of c.726C>T in individuals affected with LCP2-related conditions and no experimental evidence demonstrating its impact on protein function have been reported. ClinVar contains an entry for this variant (Variation ID: 4684889). Based on the evidence outlined above, the variant was classified as benign.

Mayo Clinic Laboratories, Mayo Clinic
Classification: Benign. Last evaluated: 2025-09-23. Review status: criteria provided, single submitter. Criteria: ACMG Guidelines, 2015. Collection method: clinical testing. Allele origin: germline. Observed: 1 variant allele.

NM_005565.5(LCP2):c.726C>T (p.Pro242=)

Gene: LCP2 (lymphocyte cytosolic protein 2; minus strand). Cytogenetic location: 5q35.1.
Variant type: single nucleotide variant.
Coding change: c.726C>T on transcript NM_005565.5 (MANE Select); coding-DNA position 726, C replaced by T.
Protein change: p.Pro242=; no amino-acid change (proline 242 retained).
Molecular consequence: synonymous variant.
Genome position (GRCh38, 1-based): chr5:170,266,854, G>A on the plus strand (C>T on the coding strand, the complement: LCP2 is on the minus strand). VCF-style: chr5-170266854-G-A. GRCh37 (hg19) VCF-style: chr5-169693858-G-A.
Other names: p.Pro242=.
Identifiers: ClinVar variation 4684889 (VCV004684889.2).